The following is an entry in ClinVar:

ClinVar aggregate classification (germline): Likely pathogenic (1 of 4 stars; one submission).

Conditions:
Gaze palsy, familial horizontal, with progressive scoliosis 1 (HGPPS1). Identifiers: Orphanet 2744, MedGen C4551964, MONDO:0020790, OMIM 607313.

Allele frequency attached by ClinVar (database versions not stated): gnomAD exomes below 0.00001; TOPMed 0.00001.
gnomAD v4.1: 2 of 1,607,850 alleles (0.00012%); highest among the groups gnomAD compares: Non-Finnish European, 0.00017%; no homozygotes.

Submission:

Institute of Human Genetics, University of Leipzig Medical Center
Classification: Likely pathogenic for Gaze palsy, familial horizontal, with progressive scoliosis 1. Last evaluated: 2021-01-09. Review status: criteria provided, single submitter. Criteria: ACMG Guidelines, 2015. Collection method: curation. Allele origin: germline. Inheritance: Autosomal recessive inheritance. Affected: yes.
Comment: This ROBO3 variant was reported as Pathogenicâ€‹ in PMID: 18829051 with original nomenclature reported as c.271C>T, P91S. Variant was re-classified as Likely Pathogenic based on the criteria PM1_Moderate, PM2_Supporting, PM3_Moderate, PP3_Supporting, PP4_Supporting.

Literature cited by the submitters: PubMed 18829051.

NM_022370.4(ROBO3):c.271C>T (p.Pro91Ser)

Gene: ROBO3 (roundabout guidance receptor 3; plus strand). Cytogenetic location: 11q24.2.
Variant type: single nucleotide variant.
Coding change: c.271C>T on transcript NM_022370.4 (MANE Select); coding-DNA position 271, C replaced by T.
Protein change: p.Pro91Ser; replaces proline 91 with serine.
Molecular consequence: missense variant.
Genome position (GRCh38, 1-based): chr11:124,868,912, C>T. VCF-style: chr11-124868912-C-T. GRCh37 (hg19) VCF-style: chr11-124738808-C-T.
Other names: short protein forms P91S.
Identifiers: ClinVar variation 996109 (VCV000996109.1), dbSNP rs1946240450, ClinGen allele CA383134146.